The following is an entry in ClinVar:

ClinVar aggregate classification (germline): Uncertain significance. Review status: criteria provided, multiple submitters, no conflicts (2 of 4 stars). 2 submissions from 2 submitters: Uncertain significance (2). Last evaluated 2025-03-17.

Conditions:
Inborn genetic diseases. Identifiers: MedGen C0950123, MeSH D030342.

Allele frequency attached by ClinVar (database versions not stated): gnomAD exomes below 0.00001.
gnomAD v4.1: 5 of 1,614,148 alleles (0.00031%); highest among the groups gnomAD compares: Non-Finnish European, 0.00042%; no homozygotes.

Submissions (2):

Labcorp Genetics (formerly Invitae), Labcorp
Classification: Uncertain significance. Last evaluated: 2025-03-17. Review status: criteria provided, single submitter. Criteria: Invitae Variant Classification Sherloc (09022015). Collection method: clinical testing. Allele origin: germline.
Comment: This sequence change replaces arginine, which is basic and polar, with tryptophan, which is neutral and slightly polar, at codon 324 of the PDP1 protein (p.Arg324Trp). This variant is not present in population databases (gnomAD no frequency). This variant has not been reported in the literature in individuals affected with PDP1-related conditions. ClinVar contains an entry for this variant (Variation ID: 1897143). An algorithm developed to predict the effect of missense changes on protein structure and function (PolyPhen-2) suggests that this variant is likely to be disruptive. In summary, the available evidence is currently insufficient to determine the role of this variant in disease. Therefore, it has been classified as a Variant of Uncertain Significance.

Ambry Genetics
Classification: Uncertain significance for Inborn genetic diseases. Last evaluated: 2021-08-10. Review status: criteria provided, single submitter. Criteria: Ambry Variant Classification Scheme 2023. Collection method: clinical testing. Allele origin: germline.

NM_018444.4(PDP1):c.970C>T (p.Arg324Trp)

Gene: PDP1 (pyruvate dehydrogenase phosphatase catalytic subunit 1; plus strand). Cytogenetic location: 8q22.1.
Variant type: single nucleotide variant.
Coding change: c.970C>T on transcript NM_018444.4 (MANE Select); coding-DNA position 970, C replaced by T.
Protein change: p.Arg324Trp; replaces arginine 324 with tryptophan.
Molecular consequence: missense variant.
Genome position (GRCh38, 1-based): chr8:93,923,029, C>T. VCF-style: chr8-93923029-C-T. GRCh37 (hg19) VCF-style: chr8-94935257-C-T.
Other names: c.1045C>T, p.Arg349Trp (NM_001161779.2, NM_001161780.2); c.970C>T, p.Arg324Trp (NM_001161781.2); short protein forms R324W, R349W.
Identifiers: ClinVar variation 1897143 (VCV001897143.6), dbSNP rs1810332027, ClinGen allele CA371694931.